The following is an entry in ClinVar:

NM_004360.5(CDH1):c.153C>A (p.Val51=)

Gene: CDH1 (cadherin 1; plus strand). Cytogenetic location: 16q22.1.
Variant type: single nucleotide variant.
Coding change: c.153C>A on transcript NM_004360.5 (MANE Select); coding-DNA position 153, C replaced by A.
Protein change: p.Val51=; no amino-acid change (valine 51 retained).
Molecular consequence: synonymous variant. On other transcripts: 5 prime UTR variant (2).
Genome position (GRCh38, 1-based): chr16:68,738,401, C>A. VCF-style: chr16-68738401-C-A. GRCh37 (hg19) VCF-style: chr16-68772304-C-A.
Other names: c.153C>A, p.Val51= (NM_001317184.2); c.-1463C>A (NM_001317185.2); c.-1667C>A (NM_001317186.2).
Identifiers: ClinVar variation 1648692 (VCV001648692.11), dbSNP rs786201265, ClinGen allele CA496149642.

ClinVar aggregate classification (germline): Benign/Likely benign. Review status: criteria provided, multiple submitters, no conflicts (2 of 4 stars). 3 submissions from 3 submitters: Benign (1); Likely benign (2). Last evaluated 2024-09-11.

Conditions:
Hereditary cancer-predisposing syndrome. Also called: Hereditary Cancer Syndrome; Neoplastic Syndromes, Hereditary; Hereditary neoplastic syndrome; Tumor predisposition. Identifiers: Orphanet 140162, MedGen C0027672, MeSH D009386, MONDO:0015356.
Hereditary diffuse gastric adenocarcinoma (HDGC). Also called: DIFFUSE GASTRIC AND LOBULAR BREAST CANCER SYNDROME. Identifiers: Orphanet 26106, MedGen C1708349, MONDO:0007648, OMIM 137215.

Allele frequency attached by ClinVar (database versions not stated): gnomAD exomes below 0.00001.
gnomAD v4.1: 1 of 1,548,920 alleles (0.000065%); highest among the groups gnomAD compares: Non-Finnish European, 0.000087%; no homozygotes.

Submissions (3):

Myriad Genetics, Inc.
Classification: Benign for Hereditary diffuse gastric adenocarcinoma. Last evaluated: 2024-09-11. Review status: criteria provided, single submitter. Criteria: Myriad Autosomal Dominant, Autosomal Recessive and X-Linked Classification Criteria (2023). Collection method: clinical testing. Allele origin: unknown.
Comment: This variant is considered benign. This variant is a silent/synonymous amino acid change and it is not expected to impact splicing.

Labcorp Genetics (formerly Invitae), Labcorp
Classification: Likely benign for Hereditary diffuse gastric adenocarcinoma. Last evaluated: 2022-09-01. Review status: criteria provided, single submitter. Criteria: Invitae Variant Classification Sherloc (09022015). Collection method: clinical testing. Allele origin: germline.

Ambry Genetics
Classification: Likely benign for Hereditary cancer-predisposing syndrome. Last evaluated: 2021-05-15. Review status: criteria provided, single submitter. Criteria: Ambry Variant Classification Scheme 2023. Collection method: clinical testing. Allele origin: germline.